The following is an entry in ClinVar:

ClinVar aggregate classification (germline): Conflicting classifications of pathogenicity. Review status: criteria provided, conflicting classifications (1 of 4 stars). 5 submissions from 5 submitters: Uncertain significance (3); Likely benign (1). 1 of the submissions does not count toward it. Last evaluated 2024-10-31.

Conditions:
Neuronal ceroid lipofuscinosis 7 (CLN7). Also called: MFSD8-Related Neuronal Ceroid-Lipofuscinosis. Identifiers: Orphanet 168491, Orphanet 228366, MedGen C1838571, MONDO:0012588, OMIM 610951.
Late-infantile neuronal ceroid lipofuscinosis. Also called: Jansky-Bielschowsky disease. Identifiers: MedGen C0022340, MONDO:0015674.
Inborn genetic diseases. Identifiers: MedGen C0950123, MeSH D030342.

Allele frequency attached by ClinVar (database versions not stated): TOPMed 0.00002; gnomAD exomes 0.00003; ExAC 0.00004; gnomAD 0.00004 and 0.00005; ESP Exome Variant Server 0.00015; 1000 Genomes Project 0.00040; 1000 Genomes Project 30x 0.00047.
gnomAD v4.1: 43 of 1,613,492 alleles (0.0027%); highest among the groups gnomAD compares: Middle Eastern, 0.017%; no homozygotes.

Submissions (5):

Blueprint Genetics
Classification: Uncertain significance. Last evaluated: 2024-10-31. Review status: criteria provided, single submitter. Criteria: ACMG Guidelines, 2015. Collection method: clinical testing. Allele origin: germline.

GeneDx
Classification: Uncertain significance. Last evaluated: 2024-08-13. Review status: criteria provided, single submitter. Criteria: GeneDx Variant Classification Process June 2021. Collection method: clinical testing. Allele origin: germline. Affected: yes.
Comment: Not observed at significant frequency in large population cohorts (gnomAD); In silico analysis indicates that this missense variant does not alter protein structure/function; This variant is associated with the following publications: (PMID: 35982159, 33057194)

Ambry Genetics
Classification: Likely benign for Inborn genetic diseases. Last evaluated: 2024-08-01. Review status: criteria provided, single submitter. Criteria: Ambry Variant Classification Scheme 2023. Collection method: clinical testing. Allele origin: germline.

Labcorp Genetics (formerly Invitae), Labcorp
Classification: Uncertain significance for Neuronal ceroid lipofuscinosis 7. Last evaluated: 2022-08-23. Review status: criteria provided, single submitter. Criteria: Invitae Variant Classification Sherloc (09022015). Collection method: clinical testing. Allele origin: germline.
Comment: This sequence change replaces valine, which is neutral and non-polar, with isoleucine, which is neutral and non-polar, at codon 321 of the MFSD8 protein (p.Val321Ile). This variant is present in population databases (rs76506918, gnomAD 0.007%). This variant has not been reported in the literature in individuals affected with MFSD8-related conditions. ClinVar contains an entry for this variant (Variation ID: 533369). Algorithms developed to predict the effect of missense changes on protein structure and function output the following: SIFT: "Tolerated"; PolyPhen-2: "Benign"; Align-GVGD: "Class C0". The isoleucine amino acid residue is found in multiple mammalian species, which suggests that this missense change does not adversely affect protein function. In summary, the available evidence is currently insufficient to determine the role of this variant in disease. Therefore, it has been classified as a Variant of Uncertain Significance.

Natera, Inc.
Classification: Uncertain significance for Late-infantile neuronal ceroid lipofuscinosis. Last evaluated: 2019-11-11. Review status: no assertion criteria provided. Collection method: clinical testing. Allele origin: germline. Not counted in ClinVar's aggregate classification.

NM_001371596.2(MFSD8):c.961G>A (p.Val321Ile)

Gene: MFSD8 (major facilitator superfamily domain containing 8; minus strand). Cytogenetic location: 4q28.2.
Variant type: single nucleotide variant.
Coding change: c.961G>A on transcript NM_001371596.2 (MANE Select); coding-DNA position 961, G replaced by A.
Protein change: p.Val321Ile; replaces valine 321 with isoleucine.
Molecular consequence: missense variant.
Genome position (GRCh38, 1-based): chr4:127,930,720, C>T on the plus strand (G>A on the coding strand, the complement: MFSD8 is on the minus strand). VCF-style: chr4-127930720-C-T. GRCh37 (hg19) VCF-style: chr4-128851875-C-T.
Other names: c.760G>A, p.Val254Ile (NM_001363520.3); c.646G>A, p.Val216Ile (NM_001363521.3); c.826G>A, p.Val276Ile (NM_001371590.2); c.961G>A, p.Val321Ile (NM_001371591.2, NM_152778.4); c.967G>A, p.Val323Ile (NM_001371592.2); c.847G>A, p.Val283Ile (NM_001371593.2, NM_001410766.1); c.814G>A, p.Val272Ile (NM_001371594.2); c.679G>A, p.Val227Ile (NM_001371595.1); and 1 more; short protein forms V321I, V216I, V254I, V227I, V272I, V276I, V283I, V323I.
Identifiers: ClinVar variation 533369 (VCV000533369.9), dbSNP rs76506918, ClinGen allele CA3077331.